The following is an entry in ClinVar:

NM_000540.3(RYR1):c.9202C>T (p.Leu3068Phe)

Gene: RYR1 (ryanodine receptor 1; plus strand). Cytogenetic location: 19q13.2.
Variant type: single nucleotide variant.
Coding change: c.9202C>T on transcript NM_000540.3 (MANE Select); coding-DNA position 9202, C replaced by T.
Protein change: p.Leu3068Phe; replaces leucine 3068 with phenylalanine.
Molecular consequence: missense variant.
Genome position (GRCh38, 1-based): chr19:38,512,101, C>T. VCF-style: chr19-38512101-C-T. GRCh37 (hg19) VCF-style: chr19-39002741-C-T.
Other names: c.9202C>T, p.Leu3068Phe (NM_001042723.2); short protein forms L3068F.
Identifiers: ClinVar variation 3071328 (VCV003071328.1), dbSNP rs1970753936, ClinGen allele CA405685538.

ClinVar aggregate classification (germline): Uncertain significance (1 of 4 stars; one submission).

Conditions:
Malignant hyperthermia, susceptibility to, 1 (MHS1). Also called: Anesthesia related hyperthermia; Malignant hyperpyrexia; Fulminating hyperpyrexia; Pharmacogenic myopathy; RYR1-Related Malignant Hyperthermia Susceptibility; Malignant hyperthermia suceptibility 1. Identifiers: Orphanet 423, MedGen C2930980, MONDO:0007783, OMIM 145600.

Submission:

All of Us Research Program, National Institutes of Health
Classification: Uncertain significance for Malignant hyperthermia, susceptibility to, 1. Last evaluated: 2023-05-30. Review status: criteria provided, single submitter. Criteria: ACMG Guidelines, 2015. Collection method: clinical testing. Allele origin: germline. Inheritance: Autosomal dominant inheritance. Observed: 1 variant allele, 1 heterozygote.
Comment: This missense variant replaces leucine with phenylalanine at codon 3068 of the RYR1 protein. Computational prediction is inconclusive regarding the impact of this variant on protein structure and function (internally defined REVEL score threshold 0.5 < inconclusive < 0.7, PMID: 27666373). To our knowledge, functional studies have not been reported for this variant. This variant has not been reported in individuals affected with RYR1-related disorders in the literature. This variant has not been identified in the general population by the Genome Aggregation Database (gnomAD). The available evidence is insufficient to determine the role of this variant in disease conclusively. Therefore, this variant is classified as a Variant of Uncertain Significance.

This study involves interpretation of variants in research participants for the purpose of population health screening. Participant phenotype was not available at the time of variant classification. Additional details can be found in publication PMID: 35346344, PMCID: PMC8962531